The following is an entry in ClinVar:

NM_001298.3(CNGA3):c.1206G>T (p.Met402Ile)

Gene: CNGA3 (cyclic nucleotide gated channel subunit alpha 3; plus strand). Cytogenetic location: 2q11.2.
Variant type: single nucleotide variant.
Coding change: c.1206G>T on transcript NM_001298.3 (MANE Select); coding-DNA position 1206, G replaced by T.
Protein change: p.Met402Ile; replaces methionine 402 with isoleucine.
Molecular consequence: missense variant.
Genome position (GRCh38, 1-based): chr2:98,396,376, G>T. VCF-style: chr2-98396376-G-T. GRCh37 (hg19) VCF-style: chr2-99012839-G-T.
Other names: c.1152G>T, p.Met384Ile (NM_001079878.2); short protein forms M384I, M402I.
Identifiers: ClinVar variation 1021724 (VCV001021724.4), dbSNP rs868852457, ClinGen allele CA347833049.

ClinVar aggregate classification (germline): Uncertain significance (1 of 4 stars; one submission).

Allele frequency attached by ClinVar (database versions not stated): TOPMed below 0.00001.
gnomAD v4.1: 17 of 1,613,754 alleles (0.0011%); highest among the groups gnomAD compares: Non-Finnish European, 0.0014%; no homozygotes.

Submission:

Labcorp Genetics (formerly Invitae), Labcorp
Classification: Uncertain significance. Last evaluated: 2021-09-17. Review status: criteria provided, single submitter. Criteria: Invitae Variant Classification Sherloc (09022015). Collection method: clinical testing. Allele origin: germline.
Comment: In summary, the available evidence is currently insufficient to determine the role of this variant in disease. Therefore, it has been classified as a Variant of Uncertain Significance. Advanced modeling of protein sequence and biophysical properties (such as structural, functional, and spatial information, amino acid conservation, physicochemical variation, residue mobility, and thermodynamic stability) performed at Invitae indicates that this missense variant is expected to disrupt CNGA3 protein function. This variant has not been reported in the literature in individuals affected with CNGA3-related conditions. This variant is not present in population databases (ExAC no frequency). This sequence change replaces methionine with isoleucine at codon 402 of the CNGA3 protein (p.Met402Ile). The methionine residue is highly conserved and there is a small physicochemical difference between methionine and isoleucine.